The following is an entry in ClinVar:

ClinVar aggregate classification (germline): Likely pathogenic (1 of 4 stars; one submission).

Conditions:
Intellectual developmental disorder, autosomal recessive 75, with neuropsychiatric features and variant lissencephaly (MRT75). Identifiers: MedGen C5676961, MONDO:0030785, OMIM 619827.

Allele frequency attached by ClinVar (database versions not stated): gnomAD 0.00001; TOPMed 0.00001; gnomAD exomes 0.00003.
gnomAD v4.1: 47 of 1,603,726 alleles (0.0029%); highest among the groups gnomAD compares: Non-Finnish European, 0.004%; no homozygotes.

Submission:

Victorian Clinical Genetics Services, Murdoch Childrens Research Institute
Classification: Likely pathogenic for Intellectual developmental disorder, autosomal recessive 75, with neuropsychiatric features and variant lissencephaly. Last evaluated: 2023-12-21. Review status: criteria provided, single submitter. Criteria: ACMG Guidelines, 2015. Collection method: clinical testing. Allele origin: germline. Inheritance: Autosomal recessive inheritance. Affected: yes.
Comment: Based on the classification scheme VCGS_Germline_v1.3.4, this variant is classified as Likely Pathogenic. Following criteria are met: 0102 - Loss of function is a known mechanism of disease in this gene and is associated with Intellectual developmental disorder, autosomal recessive 75, with neuropsychiatric features and variant lissencephaly (MIM#619827). (I) 0106 - This gene is associated with autosomal recessive disease. (I) 0211 - Canonical splice site variant without proven consequence on splicing (no functional evidence available). (SP) 0251 - This variant is heterozygous. (I) 0304 - Variant is present in gnomAD (v2) <0.01 for a recessive condition (3 heterozygotes, 0 homozygotes). (SP) 0505 - Abnormal splicing is predicted by in silico tools and affected nucleotide is highly conserved. (SP) 0705 - No comparable splice site variants have previous evidence for pathogenicity. (I) 0807 - This variant has no previous evidence of pathogenicity. (I) 0905 - No published segregation evidence has been identified for this variant. (I) 1007 - No published functional evidence has been identified for this variant. (I) Legend: (SP) - Supporting pathogenic, (I) - Information, (SB) - Supporting benign

NM_145886.4(PIDD1):c.296-1G>A

Gene: PIDD1 (p53-induced death domain protein 1; minus strand). Cytogenetic location: 11p15.5.
Variant type: single nucleotide variant.
Coding change: c.296-1G>A on transcript NM_145886.4 (MANE Select); the canonical splice acceptor site of the intron before coding-DNA position 296, G replaced by A.
Molecular consequence: splice acceptor variant.
Genome position (GRCh38, 1-based): chr11:803,588, C>T on the plus strand (G>A on the coding strand, the complement: PIDD1 is on the minus strand). VCF-style: chr11-803588-C-T. GRCh37 (hg19) VCF-style: chr11-803588-C-T.
Other names: c.296-1G>A (NM_145887.4).
Identifiers: ClinVar variation 3254685 (VCV003254685.1), dbSNP rs1479635413.